The following is an entry in ClinVar:

ClinVar aggregate classification (germline): Uncertain significance (1 of 4 stars; one submission).

Conditions:
Inborn genetic diseases. Identifiers: MedGen C0950123, MeSH D030342.

Submission:

Ambry Genetics
Classification: Uncertain significance for Inborn genetic diseases. Last evaluated: 2024-09-27. Review status: criteria provided, single submitter. Criteria: Ambry Variant Classification Scheme 2023. Collection method: clinical testing. Allele origin: germline.
Comment: The p.N2149S variant (also known as c.6446A>G), located in coding exon 44 of the LRRK2 gene, results from an A to G substitution at nucleotide position 6446. The asparagine at codon 2149 is replaced by serine, an amino acid with highly similar properties. This amino acid position is conserved. In addition, this alteration is predicted to be tolerated by in silico analysis. Since supporting evidence is limited at this time, the clinical significance of this alteration remains unclear.

NM_198578.4(LRRK2):c.6446A>G (p.Asn2149Ser)

Gene: LRRK2 (leucine rich repeat kinase 2; plus strand). Cytogenetic location: 12q12.
Variant type: single nucleotide variant.
Coding change: c.6446A>G on transcript NM_198578.4 (MANE Select); coding-DNA position 6446, A replaced by G.
Protein change: p.Asn2149Ser; replaces asparagine 2149 with serine.
Molecular consequence: missense variant.
Genome position (GRCh38, 1-based): chr12:40,351,603, A>G. VCF-style: chr12-40351603-A-G. GRCh37 (hg19) VCF-style: chr12-40745405-A-G.
Other names: short protein forms N2149S.
Identifiers: ClinVar variation 1753570 (VCV001753570.3), dbSNP rs2499981697, ClinGen allele CA384406710.